The following is an entry in ClinVar:

ClinVar aggregate classification (germline): Uncertain significance (1 of 4 stars; one submission).

Allele frequency attached by ClinVar (database versions not stated): gnomAD 0.00001; gnomAD exomes 0.00001; TOPMed 0.00002.
gnomAD v4.1: 10 of 1,613,744 alleles (0.00062%); highest among the groups gnomAD compares: Non-Finnish European, 0.00085%; no homozygotes.

Submission:

Women's Health and Genetics/Laboratory Corporation of America, LabCorp
Classification: Uncertain significance. Last evaluated: 2024-03-13. Review status: criteria provided, single submitter. Criteria: LabCorp Variant Classification Summary - May 2015. Collection method: clinical testing. Allele origin: germline.
Comment: Variant summary: TNPO2 c.2512-7G>A alters a non-conserved nucleotide located close to a canonical splice site and therefore could affect mRNA splicing, leading to a significantly altered protein sequence. Consensus agreement among computation tools predict no significant impact on normal splicing. However, these predictions have yet to be confirmed by functional studies. The variant allele was found at a frequency of 4e-06 in 248942 control chromosomes (gnomAD). The available data on variant occurrences in the general population are insufficient to allow any conclusion about variant significance. To our knowledge, no occurrence of c.2512-7G>A in individuals affected with Intellectual Developmental Disorder With Hypotonia, Impaired Speech, And Dysmorphic Facies and no experimental evidence demonstrating its impact on protein function have been reported. No submitters have cited clinical-significance assessments for this variant to ClinVar. Based on the evidence outlined above, the variant was classified as uncertain significance.

NM_001382241.1(TNPO2):c.2512-7G>A

Genes: TNPO2 (transportin 2; minus strand), LOC126862859 (CDK7 strongly-dependent group 2 enhancer GRCh37_chr19:12811952-12813151; plus strand). Cytogenetic location: 19p13.13.
Variant type: single nucleotide variant.
Coding change: c.2512-7G>A on transcript NM_001382241.1 (MANE Select); 7 bases into the intron before coding-DNA position 2512, G replaced by A.
Molecular consequence: intron variant.
Genome position (GRCh38, 1-based): chr19:12,701,679, C>T on the plus strand (G>A on the coding strand, the complement: TNPO2 is on the minus strand). VCF-style: chr19-12701679-C-T. GRCh37 (hg19) VCF-style: chr19-12812493-C-T.
Other names: c.2482-7G>A (NM_001382237.1, NM_001382238.1, NM_001382236.1 and 3 more transcripts); c.2512-7G>A (NM_001382240.1, NM_001136196.2, NM_001382242.1); c.2476-7G>A (NM_001382243.1).
Identifiers: ClinVar variation 3233464 (VCV003233464.2), dbSNP rs1226401670, ClinGen allele CA632120287.